The following is an entry in ClinVar:

NM_001371986.1(UNC80):c.1225G>A (p.Glu409Lys)

Gene: UNC80 (unc-80 subunit of NALCN channel complex; plus strand). Cytogenetic location: 2q34.
Variant type: single nucleotide variant.
Coding change: c.1225G>A on transcript NM_001371986.1 (MANE Select); coding-DNA position 1225, G replaced by A.
Protein change: p.Glu409Lys; replaces glutamic acid 409 with lysine.
Molecular consequence: missense variant.
Genome position (GRCh38, 1-based): chr2:209,815,281, G>A. VCF-style: chr2-209815281-G-A. GRCh37 (hg19) VCF-style: chr2-210680005-G-A.
Other names: c.1225G>A, p.Glu409Lys (NM_032504.2, NM_182587.4); short protein forms E409K.
Identifiers: ClinVar variation 1936853 (VCV001936853.4), dbSNP rs1418039542, ClinGen allele CA350134123.

ClinVar aggregate classification (germline): Uncertain significance (1 of 4 stars; one submission).

Allele frequency attached by ClinVar (database versions not stated): gnomAD exomes below 0.00001; TOPMed 0.00001.
gnomAD v4.1: 5 of 1,551,632 alleles (0.00032%); highest among the groups gnomAD compares: South Asian, 0.0024%; no homozygotes.

Submission:

Labcorp Genetics (formerly Invitae), Labcorp
Classification: Uncertain significance. Last evaluated: 2024-10-16. Review status: criteria provided, single submitter. Criteria: Invitae Variant Classification Sherloc (09022015). Collection method: clinical testing. Allele origin: germline.
Comment: This sequence change replaces glutamic acid, which is acidic and polar, with lysine, which is basic and polar, at codon 409 of the UNC80 protein (p.Glu409Lys). This variant is present in population databases (no rsID available, gnomAD 0.004%). This variant has not been reported in the literature in individuals affected with UNC80-related conditions. ClinVar contains an entry for this variant (Variation ID: 1936853). An algorithm developed to predict the effect of missense changes on protein structure and function (PolyPhen-2) suggests that this variant is likely to be disruptive. In summary, the available evidence is currently insufficient to determine the role of this variant in disease. Therefore, it has been classified as a Variant of Uncertain Significance.